The following is an entry in ClinVar:

ClinVar aggregate classification (germline): Uncertain significance. Review status: criteria provided, multiple submitters, no conflicts (2 of 4 stars). 2 submissions from 2 submitters: Uncertain significance (2). Last evaluated 2023-08-26.

Conditions:
Renal cell carcinoma. Identifiers: Orphanet 217071, MedGen C0007134, MeSH D002292, MONDO:0005086, HP:0005584.
Hereditary cancer-predisposing syndrome. Also called: Tumor predisposition; Hereditary Cancer Syndrome; Hereditary neoplastic syndrome; Neoplastic Syndromes, Hereditary. Identifiers: Orphanet 140162, MedGen C0027672, MeSH D009386, MONDO:0015356.

Submissions (2):

Ambry Genetics
Classification: Uncertain significance for Hereditary cancer-predisposing syndrome. Last evaluated: 2023-08-26. Review status: criteria provided, single submitter. Criteria: Ambry Variant Classification Scheme 2023. Collection method: clinical testing. Allele origin: germline.
Comment: The p.V145A variant (also known as c.434T>C), located in coding exon 1 of the MET gene, results from a T to C substitution at nucleotide position 434. The valine at codon 145 is replaced by alanine, an amino acid with similar properties. This amino acid position is conserved. In addition, this alteration is predicted to be tolerated by in silico analysis. Since supporting evidence is limited at this time, the clinical significance of this alteration remains unclear.

Labcorp Genetics (formerly Invitae), Labcorp
Classification: Uncertain significance for Renal cell carcinoma. Last evaluated: 2023-04-20. Review status: criteria provided, single submitter. Criteria: Invitae Variant Classification Sherloc (09022015). Collection method: clinical testing. Allele origin: germline.
Comment: In summary, the available evidence is currently insufficient to determine the role of this variant in disease. Therefore, it has been classified as a Variant of Uncertain Significance. Advanced modeling of protein sequence and biophysical properties (such as structural, functional, and spatial information, amino acid conservation, physicochemical variation, residue mobility, and thermodynamic stability) performed at Invitae indicates that this missense variant is not expected to disrupt MET protein function. This variant has not been reported in the literature in individuals affected with MET-related conditions. This variant is not present in population databases (gnomAD no frequency). This sequence change replaces valine, which is neutral and non-polar, with alanine, which is neutral and non-polar, at codon 145 of the MET protein (p.Val145Ala).

NM_000245.4(MET):c.434T>C (p.Val145Ala)

Gene: MET (MET proto-oncogene, receptor tyrosine kinase; plus strand). Cytogenetic location: 7q31.2.
Variant type: single nucleotide variant.
Coding change: c.434T>C on transcript NM_000245.4 (MANE Select); coding-DNA position 434, T replaced by C.
Protein change: p.Val145Ala; replaces valine 145 with alanine.
Molecular consequence: missense variant. On other transcripts: intron variant (1).
Genome position (GRCh38, 1-based): chr7:116,699,518, T>C. VCF-style: chr7-116699518-T-C. GRCh37 (hg19) VCF-style: chr7-116339572-T-C.
Other names: c.434T>C, p.Val145Ala (NM_001127500.3, NM_001324401.3); c.-91+26941T>C (NM_001324402.2); short protein forms V145A.
Identifiers: ClinVar variation 2587492 (VCV002587492.5), dbSNP rs2116588743, ClinGen allele CA368969073.